The following is an entry in ClinVar:

NM_024675.4(PALB2):c.3G>A (p.Met1Ile)

Gene: PALB2 (partner and localizer of BRCA2; minus strand). Cytogenetic location: 16p12.2.
Variant type: single nucleotide variant.
Coding change: c.3G>A on transcript NM_024675.4 (MANE Select); coding-DNA position 3, G replaced by A.
Protein change: p.Met1Ile; changes the start codon (methionine 1).
Molecular consequence: missense variant, initiator codon variant.
Genome position (GRCh38, 1-based): chr16:23,641,155, C>T on the plus strand (G>A on the coding strand, the complement: PALB2 is on the minus strand). VCF-style: chr16-23641155-C-T. GRCh37 (hg19) VCF-style: chr16-23652476-C-T.
Other names: p.Met1Ile; short protein forms M1I.
Identifiers: ClinVar variation 371919 (VCV000371919.23), dbSNP rs1057517585, ClinGen allele CA16042152.

ClinVar aggregate classification (germline): Pathogenic/Likely pathogenic. Review status: criteria provided, multiple submitters, no conflicts (2 of 4 stars). 8 submissions from 8 submitters: Pathogenic (3); Likely pathogenic (4). 1 of the submissions does not count toward it. Last evaluated 2025-10-15.

Conditions:
Breast-ovarian cancer, familial, susceptibility to, 5 (BROVCA5). Identifiers: MedGen C5830615, MONDO:0957530, OMIM 620442.
Hereditary cancer-predisposing syndrome. Also called: Tumor predisposition; Hereditary neoplastic syndrome; Neoplastic Syndromes, Hereditary; Hereditary Cancer Syndrome. Identifiers: Orphanet 140162, MedGen C0027672, MeSH D009386, MONDO:0015356.
Familial cancer of breast. Also called: BREAST CANCER, FAMILIAL; hereditary breast carcinoma; Hereditary breast cancer. Identifiers: Orphanet 227535, MedGen C0346153, MONDO:0016419, OMIM 114480. Disease mechanism: loss of function.

Allele frequency attached by ClinVar (database versions not stated): gnomAD exomes below 0.00001.

Submissions (8):

Ambry Genetics
Classification: Likely pathogenic for Hereditary cancer-predisposing syndrome. Last evaluated: 2025-10-15. Review status: criteria provided, single submitter. Criteria: Ambry Variant Classification Scheme 2023. Collection method: clinical testing. Allele origin: germline.
Comment: The p.M1? variant (also known as c.3G>A) is located in coding exon 1 of the PALB2 gene and results from a G to A substitution at nucleotide position 3. This alters the methionine residue at the initiation codon (ATG). Sequence variations that modify the initiation codon are expected to result in either loss of translation initiation, N-terminal truncation, or cause a shift in the mRNA reading frame. This amino acid position is highly conserved in available vertebrate species. Based on the majority of available evidence to date, this variant is likely to be pathogenic.

Molecular Genetics and NGS Laboratory, Hospital Fundacion Valle Del Lili
Classification: Pathogenic for Breast-ovarian cancer, familial, susceptibility to, 5. Last evaluated: 2024-08-16. Review status: criteria provided, single submitter. Criteria: ACMG Guidelines, 2015. Collection method: clinical testing. Allele origin: germline. Affected: yes. Observed: 1 variant allele.

Molecular Pathology, Peter Maccallum Cancer Centre
Classification: Pathogenic for Familial cancer of breast. Last evaluated: 2024-07-22. Review status: criteria provided, single submitter. Criteria: ACMG Guidelines, 2015. Collection method: clinical testing. Allele origin: germline. Inheritance: Autosomal dominant inheritance.

Labcorp Genetics (formerly Invitae), Labcorp
Classification: Pathogenic for Familial cancer of breast. Last evaluated: 2023-10-03. Review status: criteria provided, single submitter. Criteria: Invitae Variant Classification Sherloc (09022015). Collection method: clinical testing. Allele origin: germline.
Comment: This sequence change affects the initiator methionine of the PALB2 mRNA. The next in-frame methionine is located at codon 296. This variant is not present in population databases (gnomAD no frequency). Disruption of the initiator codon has been observed in individual(s) with bile duct cancer, breast cancer, glioblastoma multiforme, and/or pancreatic cancer (PMID: 29625052, 31173646, 31263571, 31871297). ClinVar contains an entry for this variant (Variation ID: 371919). If translation initiation is rescued by the downstream methionine at codon 296, this would result in loss of the coiled-coil domain (p.Leu9-Glu42) of the PALB2 protein, which is critical for the interaction between BRCA1/BRCA2, and necessary for homology-directed DNA repair (PMID: 16793542, 19369211, 26649820, 25099575). This variant disrupts a region of the PALB2 protein in which other variant(s) (p.Leu35Pro) have been determined to be pathogenic (PMID: 28319063, 30337689, 31586400). This suggests that this is a clinically significant region of the protein, and that variants that disrupt it are likely to be disease-causing. For these reasons, this variant has been classified as Pathogenic.

Myriad Genetics, Inc.
Classification: Likely pathogenic for Familial cancer of breast. Last evaluated: 2023-03-30. Review status: criteria provided, single submitter. Criteria: Myriad Autosomal Dominant, Autosomal Recessive and X-Linked Classification Criteria (2023). Collection method: clinical testing. Allele origin: unknown.
Comment: This variant is considered likely pathogenic. This variant is located within the gene translation start codon (p.Met1?) and is predicted to result in abnormal protein translation.

GeneDx
Classification: Likely pathogenic. Last evaluated: 2017-11-28. Review status: criteria provided, single submitter. Criteria: GeneDx Variant Classification (06012015). Collection method: clinical testing. Allele origin: germline. Affected: yes.
Comment: This variant alters the initiator Methionine codon, and the resultant protein would be described asâ€œp.Met1?â€ to signify that it is not known if the loss of Met1 prevents all protein translation or if an abnormal protein isproduced using an alternate Methionine codon. PALB2 c.3G>A has not been previously published as a pathogenicvariant, nor has it been reported as a benign polymorphism to our knowledge. As PALB2 c.3G>A is predicted to alternormal protein production, it is considered a likely pathogenic variant.

Quest Diagnostics Nichols Institute San Juan Capistrano
Classification: Likely pathogenic. Last evaluated: 2017-01-24. Review status: criteria provided, single submitter. Criteria: Quest Diagnostics criteria. Collection method: clinical testing. Allele origin: germline.

Counsyl
Classification: Likely pathogenic for Familial cancer of breast. Last evaluated: 2016-08-12. Review status: no assertion criteria provided. Collection method: clinical testing. Allele origin: unknown. Not counted in ClinVar's aggregate classification.

Literature cited by the submitters: PubMed 31871297 (cited by Ambry Genetics and Labcorp Genetics (formerly Invitae), Labcorp); PubMed 29625052 (cited by Labcorp Genetics (formerly Invitae), Labcorp); PubMed 31173646 (cited by Labcorp Genetics (formerly Invitae), Labcorp); PubMed 31263571 (cited by Labcorp Genetics (formerly Invitae), Labcorp); PubMed 16793542 (cited by Labcorp Genetics (formerly Invitae), Labcorp); PubMed 19369211 (cited by Labcorp Genetics (formerly Invitae), Labcorp); PubMed 26649820 (cited by Labcorp Genetics (formerly Invitae), Labcorp); PubMed 25099575 (cited by Labcorp Genetics (formerly Invitae), Labcorp); PubMed 28319063 (cited by Labcorp Genetics (formerly Invitae), Labcorp); PubMed 30337689 (cited by Labcorp Genetics (formerly Invitae), Labcorp); PubMed 31586400 (cited by Labcorp Genetics (formerly Invitae), Labcorp).